The following is an entry in ClinVar:

NM_018192.4(P3H2):c.771T>G (p.Phe257Leu)

Gene: P3H2 (prolyl 3-hydroxylase 2; minus strand). Cytogenetic location: 3q28.
Variant type: single nucleotide variant.
Coding change: c.771T>G on transcript NM_018192.4 (MANE Select); coding-DNA position 771, T replaced by G.
Protein change: p.Phe257Leu; replaces phenylalanine 257 with leucine.
Molecular consequence: missense variant.
Genome position (GRCh38, 1-based): chr3:189,994,146, A>C on the plus strand (T>G on the coding strand, the complement: P3H2 is on the minus strand). VCF-style: chr3-189994146-A-C. GRCh37 (hg19) VCF-style: chr3-189711935-A-C.
Other names: c.228T>G, p.Phe76Leu (NM_001134418.2); short protein forms F257L, F76L.
Identifiers: ClinVar variation 1503449 (VCV001503449.8), dbSNP rs2108923650, ClinGen allele CA355759351.
Genomic context (GRCh38, chr3:189,994,146, plus strand): 5'-GCTTTTACCTGCAATAGCTTCATACAGACCAGCCTTATACCCTAAATACTCATATTCTTC[A>C]AATCTCTGAGGCCCCTCACATAGGGTCCGGCATTCTGTATCTTCAACGAAATATTCTCTT-3'
Protein context (NP_060662.2, residues 247-267): CRTLCEGPQR[Phe257Leu]EEYEYLGYKA

ClinVar aggregate classification (germline): Uncertain significance (1 of 4 stars; one submission).

Allele frequency attached by ClinVar (database versions not stated): gnomAD exomes below 0.00001.
gnomAD v4.1: 1 of 1,613,762 alleles (0.000062%); highest among the groups gnomAD compares: African/African-American, 0.0013%; no homozygotes.

Submission:

Labcorp Genetics (formerly Invitae), Labcorp
Classification: Uncertain significance. Last evaluated: 2021-03-25. Review status: criteria provided, single submitter. Criteria: Invitae Variant Classification Sherloc (09022015). Collection method: clinical testing. Allele origin: germline.
Comment: In summary, the available evidence is currently insufficient to determine the role of this variant in disease. Therefore, it has been classified as a Variant of Uncertain Significance. Algorithms developed to predict the effect of missense changes on protein structure and function are either unavailable or do not agree on the potential impact of this missense change (SIFT: "Deleterious"; PolyPhen-2: "Benign"; Align-GVGD: "Class C0"). This variant has not been reported in the literature in individuals with P3H2-related conditions. This variant is not present in population databases (ExAC no frequency). This sequence change replaces phenylalanine with leucine at codon 257 of the P3H2 protein (p.Phe257Leu). The phenylalanine residue is highly conserved and there is a small physicochemical difference between phenylalanine and leucine.